The following is an entry in ClinVar:

ClinVar aggregate classification (germline): Conflicting classifications of pathogenicity. Review status: criteria provided, conflicting classifications (1 of 4 stars). 4 submissions from 4 submitters: Uncertain significance (3); Likely benign (1). Last evaluated 2026-09-22.

Conditions:
TTN-related disorder. Also called: TTN-related condition; TTN-related disease; TTN-related disorders.

Allele frequency attached by ClinVar (database versions not stated): ExAC 0.00004; gnomAD exomes 0.00004 and 0.00016; gnomAD 0.00007 and 0.00008; TOPMed 0.00007; 1000 Genomes Project 30x 0.00016; 1000 Genomes Project 0.00020.
gnomAD v4.1: 233 of 1,607,060 alleles (0.014%); highest among the groups gnomAD compares: Non-Finnish European, 0.019%; no homozygotes.

Submissions (4):

PreventionGenetics, part of Exact Sciences
Classification: Uncertain significance for TTN-related condition. Last evaluated: 2026-09-22. Review status: criteria provided, single submitter. Criteria: ACMG Guidelines, 2015. Collection method: clinical testing. Allele origin: germline.
Comment: The TTN c.25708G>A variant is predicted to result in the amino acid substitution p.Glu8570Lys. This variant has been reported in an individual with hypertrophic cardiomyopathy; however, no phenotypic information was provided (Supplementary File 2, van Lint et al. 2019. PubMed ID: 30847666). This variant is reported in 0.0083% of alleles in individuals of European (Non-Finnish) descent in gnomAD v2. However, in gnomAD v4, this variant is reported in 233 alleles. This population data is not consistent with this variant being a primary cause of disease. Although we suspect that this variant may be benign, at this time, the clinical significance of this variant is uncertain due to the absence of conclusive functional and genetic evidence.

Blueprint Genetics
Classification: Likely benign. Last evaluated: 2024-05-08. Review status: criteria provided, single submitter. Criteria: ACMG Guidelines, 2015. Collection method: clinical testing. Allele origin: germline.

Revvity Omics, Revvity
Classification: Uncertain significance. Last evaluated: 2020-06-03. Review status: criteria provided, single submitter. Criteria: ACMG Guidelines, 2015. Collection method: clinical testing. Allele origin: germline.

Eurofins Ntd Llc (ga)
Classification: Uncertain significance. Last evaluated: 2017-02-17. Review status: criteria provided, single submitter. Criteria: EGL Classification Definitions 2015. Collection method: clinical testing. Allele origin: germline. Observed: 2 variant alleles, 1 heterozygote.

NM_001267550.2(TTN):c.25708G>A (p.Glu8570Lys)

Gene: TTN (titin; minus strand). Cytogenetic location: 2q31.2.
Variant type: single nucleotide variant.
Coding change: c.25708G>A on transcript NM_001267550.2 (MANE Select); coding-DNA position 25708, G replaced by A.
Protein change: p.Glu8570Lys; replaces glutamic acid 8570 with lysine.
Molecular consequence: missense variant. On other transcripts: intron variant (3).
Genome position (GRCh38, 1-based): chr2:178,715,706, C>T on the plus strand (G>A on the coding strand, the complement: TTN is on the minus strand). VCF-style: chr2-178715706-C-T. GRCh37 (hg19) VCF-style: chr2-179580433-C-T.
Other names: c.24757G>A, p.Glu8253Lys (NM_001256850.1); c.21976G>A, p.Glu7326Lys (NM_133378.4); c.13282+22376G>A (NM_003319.4); c.13858+22376G>A (NM_133437.4); c.13657+22376G>A (NM_133432.3); short protein forms E7326K, E8570K, E8253K.
Identifiers: ClinVar variation 497080 (VCV000497080.10), dbSNP rs552462622, ClinGen allele CA2000155.
Genomic context (GRCh38, chr2:178,715,706, plus strand): 5'-TTTCAGTCTCGTCCTTATACCATAAAACTTTGATTTCTGGAGACCCACCGATTTTGCATT[C>T]ATACCTTGTGAATTCATCCTGTTTCACAATTCTTGAAGGTTCTAGCTTCTTAATGAACCT-3'
Protein context (NP_001254479.2, residues 8560-8580): IVKQDEFTRY[Glu8570Lys]CKIGGSPEIK